The following is an entry in ClinVar:

NM_002296.4(LBR):c.1200C>T (p.Asn400=)

Gene: LBR (lamin B receptor; minus strand). Cytogenetic location: 1q42.12.
Variant type: single nucleotide variant.
Coding change: c.1200C>T on transcript NM_002296.4 (MANE Select); coding-DNA position 1200, C replaced by T.
Protein change: p.Asn400=; no amino-acid change (asparagine 400 retained).
Molecular consequence: synonymous variant.
Genome position (GRCh38, 1-based): chr1:225,410,405, G>A on the plus strand (C>T on the coding strand, the complement: LBR is on the minus strand). VCF-style: chr1-225410405-G-A. GRCh37 (hg19) VCF-style: chr1-225598107-G-A.
Other names: c.1200C>T, p.Asn400= (NM_194442.3).
Identifiers: ClinVar variation 4983165 (VCV004983165.1).

ClinVar aggregate classification (germline): Likely benign (1 of 4 stars; one submission).

Conditions:
LBR-related disorder. Also called: LBR-related condition; LBR-related disorders.

Submission:

PreventionGenetics, part of Exact Sciences
Classification: Likely benign for LBR-related condition. Last evaluated: 2024-12-08. Review status: criteria provided, single submitter. Criteria: ACMG Guidelines, 2015. Collection method: clinical testing. Allele origin: germline.
Comment: This variant is classified as likely benign based on ACMG/AMP sequence variant interpretation guidelines (Richards et al. 2015 PMID: 25741868, with internal and published modifications).